The following is an entry in ClinVar:

NM_001105206.3(LAMA4):c.2672A>T (p.Lys891Ile)

Genes: LAMA4 (laminin subunit alpha 4; minus strand), LOC126859766 (MED14-independent group 3 enhancer GRCh37_chr6:112462018-112463217; plus strand). Cytogenetic location: 6q21.
Variant type: single nucleotide variant.
Coding change: c.2672A>T on transcript NM_001105206.3 (MANE Select); coding-DNA position 2672, A replaced by T.
Protein change: p.Lys891Ile; replaces lysine 891 with isoleucine.
Molecular consequence: missense variant.
Genome position (GRCh38, 1-based): chr6:112,141,499, T>A on the plus strand (A>T on the coding strand, the complement: LAMA4 is on the minus strand). VCF-style: chr6-112141499-T-A. GRCh37 (hg19) VCF-style: chr6-112462701-T-A.
Other names: c.2651A>T, p.Lys884Ile (NM_001105207.3, NM_002290.5); short protein forms K884I, K891I.
Identifiers: ClinVar variation 2821444 (VCV002821444.3), dbSNP rs781800726, ClinGen allele CA3965401.

ClinVar aggregate classification (germline): Uncertain significance (1 of 4 stars; one submission).

Conditions:
Dilated cardiomyopathy 1JJ (CMD1JJ). Identifiers: Orphanet 154, MedGen C3808935, MONDO:0014095, OMIM 615235.

Allele frequency attached by ClinVar (database versions not stated): TOPMed below 0.00001; ExAC 0.00001.
gnomAD v4.1: 1 of 1,601,282 alleles (0.000062%); highest among the groups gnomAD compares: African/African-American, 0.0013%; no homozygotes.

Submission:

Labcorp Genetics (formerly Invitae), Labcorp
Classification: Uncertain significance for Dilated cardiomyopathy 1JJ. Last evaluated: 2022-12-16. Review status: criteria provided, single submitter. Criteria: Invitae Variant Classification Sherloc (09022015). Collection method: clinical testing. Allele origin: germline.
Comment: In summary, the available evidence is currently insufficient to determine the role of this variant in disease. Therefore, it has been classified as a Variant of Uncertain Significance. Algorithms developed to predict the effect of missense changes on protein structure and function are either unavailable or do not agree on the potential impact of this missense change (SIFT: "Deleterious"; PolyPhen-2: "Possibly Damaging"; Align-GVGD: "Class C0"). This variant has not been reported in the literature in individuals affected with LAMA4-related conditions. This variant is present in population databases (rs781800726, gnomAD 0.007%). This sequence change replaces lysine, which is basic and polar, with isoleucine, which is neutral and non-polar, at codon 884 of the LAMA4 protein (p.Lys884Ile).